The following is an entry in ClinVar:

ClinVar aggregate classification (germline): Likely benign (0 of 4 stars; one submission).

Conditions:
TNK2-related disorder. Also called: TNK2-related condition.

Allele frequency attached by ClinVar (database versions not stated): 1000 Genomes Project 30x 0.00016.
gnomAD v4.1: 209 of 1,529,956 alleles (0.014%); highest among the groups gnomAD compares: African/African-American, 0.18%; no homozygotes.

Submission:

PreventionGenetics, part of Exact Sciences
Classification: Likely benign for TNK2-related condition. Last evaluated: 2019-10-28. Review status: no assertion criteria provided. Collection method: clinical testing. Allele origin: germline.
Comment: This variant is classified as likely benign based on ACMG/AMP sequence variant interpretation guidelines (Richards et al. 2015 PMID: 25741868, with internal and published modifications).

NM_001382273.1(TNK2):c.-18-3798G>C

Gene: TNK2 (tyrosine kinase non receptor 2; minus strand). Cytogenetic location: 3q29.
Variant type: single nucleotide variant.
Coding change: c.-18-3798G>C on transcript NM_001382273.1 (MANE Select); 3798 bases into the intron before 18 bases upstream of the start codon, G replaced by C.
Molecular consequence: intron variant.
Genome position (GRCh38, 1-based): chr3:195,892,404, C>G on the plus strand (G>C on the coding strand, the complement: TNK2 is on the minus strand). VCF-style: chr3-195892404-C-G. GRCh37 (hg19) VCF-style: chr3-195619275-C-G.
Other names: c.-18-3798G>C (NM_001387720.1, NM_005781.5, NM_001386164.1 and 3 more transcripts); c.-19+3649G>C (NM_001387721.1, NM_001387710.1); c.-19+3491G>C (NM_001387719.1, NM_001387713.1, NM_001387712.1 and 2 more transcripts); c.54+2842G>C (NM_001387715.1, NM_001387708.1, NM_001010938.2 and 1 more transcripts); c.-19+2202G>C (NM_001387709.1, NM_001387716.1); c.78+7G>C (NM_001308046.2, NM_001382271.1, NM_001382275.1 and 1 more transcripts).
Identifiers: ClinVar variation 3046131 (VCV003046131.2), dbSNP rs558958502, ClinGen allele CA2777070.
Genomic context (GRCh38, chr3:195,892,404, plus strand): 5'-TCAGTCAAGTGCTGGTGCTGAGGAGCCCAACCAGTCCCCAGCAGTCCAGCCCCTGCCCCC[C>G]ACTCACTGTGTACAGGCGTCGCCGCAGTCTGGCCAGGAGAGGGAAGGAGAGCTCCAGGCC-3'